The following is an entry in ClinVar:

ClinVar aggregate classification (germline): Likely benign. Review status: criteria provided, multiple submitters, no conflicts (2 of 4 stars). 3 submissions from 3 submitters: Likely benign (2). 1 of the submissions does not count toward it. Last evaluated 2025-04-10.

Conditions:
Peroxisome biogenesis disorder. Identifiers: Orphanet 79189, MedGen C1832200, MONDO:0019234. Disease mechanism: loss of function.
PEX16-related disorder. Also called: PEX16-related condition.

Allele frequency attached by ClinVar (database versions not stated): 1000 Genomes Project 0.00040; gnomAD exomes below 0.00001 and 0.00002; ExAC 0.00003; gnomAD 0.00003 and 0.00004; TOPMed 0.00004; ESP Exome Variant Server 0.00008; 1000 Genomes Project 30x 0.00031.
gnomAD v4.1: 12 of 1,614,056 alleles (0.00074%); highest among the groups gnomAD compares: African/African-American, 0.015%; no homozygotes.

Submissions (3):

Labcorp Genetics (formerly Invitae), Labcorp
Classification: Likely benign for Peroxisome biogenesis disorder. Last evaluated: 2025-04-10. Review status: criteria provided, single submitter. Criteria: Invitae Variant Classification Sherloc (09022015). Collection method: clinical testing. Allele origin: germline.

Blueprint Genetics
Classification: Likely benign. Last evaluated: 2022-09-21. Review status: criteria provided, single submitter. Criteria: ACMG Guidelines, 2015. Collection method: clinical testing. Allele origin: germline.

PreventionGenetics, part of Exact Sciences
Classification: Likely benign for PEX16-related condition. Last evaluated: 2023-03-15. Review status: no assertion criteria provided. Collection method: clinical testing. Allele origin: germline. Not counted in ClinVar's aggregate classification.
Comment: This variant is classified as likely benign based on ACMG/AMP sequence variant interpretation guidelines (Richards et al. 2015 PMID: 25741868, with internal and published modifications).

NM_004813.4(PEX16):c.113-4C>T

Gene: PEX16 (peroxisomal biogenesis factor 16; minus strand). Cytogenetic location: 11p11.2.
Variant type: single nucleotide variant.
Coding change: c.113-4C>T on transcript NM_004813.4 (MANE Select); 4 bases into the intron before coding-DNA position 113, C replaced by T.
Molecular consequence: intron variant.
Genome position (GRCh38, 1-based): chr11:45,917,497, G>A on the plus strand (C>T on the coding strand, the complement: PEX16 is on the minus strand). VCF-style: chr11-45917497-G-A. GRCh37 (hg19) VCF-style: chr11-45939048-G-A.
Other names: c.113-4C>T (NM_057174.3, NM_004813.2).
Identifiers: ClinVar variation 1597516 (VCV001597516.14), dbSNP rs199760503, ClinGen allele CA5960116.
Genomic context (GRCh38, chr11:45,917,497, plus strand): 5'-CACCCCCAGAGCCCGGCTCACCCAGCTCTGACAGCTCGTGCGAATCGGCGAATCGACCTG[G>A]GGAGAGGGTACAGAAGGAGGTGTGAGTGAGCATCTGCCTCACATTTCGTCTTCGGGTCCC-3'